The following is an entry in ClinVar:

NM_002474.3(MYH11):c.4022T>C (p.Leu1341Pro)

Genes: NDE1 (nudE neurodevelopment protein 1; plus strand), MYH11 (myosin heavy chain 11; minus strand). Cytogenetic location: 16p13.11.
Variant type: single nucleotide variant.
Coding change: c.4022T>C on transcript NM_002474.3 (MANE Select); coding-DNA position 4022, T replaced by C.
Protein change: p.Leu1341Pro; replaces leucine 1341 with proline.
Molecular consequence: missense variant. On other transcripts: 3 prime UTR variant (2).
Genome position (GRCh38, 1-based): chr16:15,724,741, A>G on the plus strand (T>C on the coding strand, the complement: MYH11 is on the minus strand). VCF-style: chr16-15724741-A-G. GRCh37 (hg19) VCF-style: chr16-15818598-A-G.
Other names: c.4043T>C, p.Leu1348Pro (NM_001040113.2, NM_001040114.2); c.4022T>C, p.Leu1341Pro (NM_022844.3); c.*490A>G (NM_001143979.2, NM_017668.3); short protein forms L1341P, L1348P.
Identifiers: ClinVar variation 3072252 (VCV003072252.1), dbSNP rs2506144046, ClinGen allele CA394858520.

ClinVar aggregate classification (germline): Uncertain significance (1 of 4 stars; one submission).

Conditions:
Familial thoracic aortic aneurysm and aortic dissection (TAAD). Also called: Thoracic aortic aneurysms and dissections. Identifiers: Orphanet 91387, MedGen C4707243, MONDO:0019625.

Submission:

All of Us Research Program, National Institutes of Health
Classification: Uncertain significance for Familial thoracic aortic aneurysm and aortic dissection. Last evaluated: 2023-06-26. Review status: criteria provided, single submitter. Criteria: ACMG Guidelines, 2015. Collection method: clinical testing. Allele origin: germline. Inheritance: Autosomal dominant inheritance. Observed: 1 variant allele, 1 heterozygote.
Comment: This missense variant replaces leucine with proline at codon 1348 of the MYH11 protein. Computational prediction suggests that this variant may have deleterious impact on protein structure and function (internally defined REVEL score threshold >= 0.7, PMID: 27666373). To our knowledge, functional studies have not been reported for this variant. This variant has not been reported in individuals affected with MYH11-related disorders in the literature. This variant has not been identified in the general population by the Genome Aggregation Database (gnomAD). The available evidence is insufficient to determine the role of this variant in disease conclusively. Therefore, this variant is classified as a Variant of Uncertain Significance.

This study involves interpretation of variants in research participants for the purpose of population health screening. Participant phenotype was not available at the time of variant classification. Additional details can be found in publication PMID: 35346344, PMCID: PMC8962531